The following is an entry in ClinVar:

NM_175914.5(HNF4A):c.304G>A (p.Gly102Ser)

Gene: HNF4A (hepatocyte nuclear factor 4 alpha; plus strand). Cytogenetic location: 20q13.12.
Variant type: single nucleotide variant.
Coding change: c.304G>A on transcript NM_175914.5 (MANE Select); coding-DNA position 304, G replaced by A.
Protein change: p.Gly102Ser; replaces glycine 102 with serine.
Molecular consequence: missense variant.
Genome position (GRCh38, 1-based): chr20:44,407,460, G>A. VCF-style: chr20-44407460-G-A. GRCh37 (hg19) VCF-style: chr20-43036100-G-A.
Other names: NM_175914.5:c.304G>A; c.370G>A, p.Gly124Ser (NM_000457.6, NM_178849.3, NM_178850.3); c.304G>A, p.Gly102Ser (NM_001030003.3, NM_001030004.3); c.349G>A, p.Gly117Ser (NM_001258355.2); c.295G>A, p.Gly99Ser (NM_001287182.2, NM_001287183.2, NM_001287184.2); short protein forms G102S, G117S, G124S, G99S.
Identifiers: ClinVar variation 2505494 (VCV002505494.1), dbSNP rs2515651269, ClinGen allele CA409104377.

ClinVar aggregate classification (germline): Likely pathogenic (3 of 4 stars; one submission).

Conditions:
Monogenic diabetes. Identifiers: Orphanet 183625, MedGen C3888631, MONDO:0015967.

Submission:

ClinGen Monogenic Diabetes Variant Curation Expert Panel
Classification: Likely pathogenic for Monogenic diabetes. Last evaluated: 2023-05-27. Review status: reviewed by expert panel. Criteria: MDEP HNF4A Specificiations 1.0.0. Collection method: curation. Allele origin: germline. Inheritance: Autosomal dominant inheritance.
Comment: The c.304G>A p.(Gly102Ser) variant in the hepatocyte nuclear factor 4-alpha gene, HNF4A, is located within the DNA binding domain of NM_175914.5 which is defined as critical for the protein’s function by the ClinGen MDEP (PM1_Supporting). This variant is absent from gnomAD v2.1.1 (PM2_Supporting). This variant segregated with diabetes, with at least 5 informative meiosis in 1 family with MODY (PP1_Strong, PMID: 10227563). This variant is predicted to be deleterious by computational evidence, with a REVEL score or 0.989, which is greater than the MDEP VCEP threshold of 0.70 (PP3). In summary, c.304G>A p.(Gly102Ser) meets the criteria to be classified as a VUS for monogenic diabetes. ACMG/AMP criteria applied, as specified by the ClinGen MDEP VCEP (specification version 1.0.0, approved 11/16/2022): PM1_Supporting, PM2_Supporting, PP1_Strong, PP3.